The following is an entry in ClinVar:

NM_001012759.3(CTU2):c.954C>T (p.Tyr318=)

Gene: CTU2 (cytosolic thiouridylase subunit 2; plus strand). Cytogenetic location: 16q24.3.
Variant type: single nucleotide variant.
Coding change: c.954C>T on transcript NM_001012759.3 (MANE Select); coding-DNA position 954, C replaced by T.
Protein change: p.Tyr318=; no amino-acid change (tyrosine 318 retained).
Molecular consequence: synonymous variant.
Genome position (GRCh38, 1-based): chr16:88,713,727, C>T. VCF-style: chr16-88713727-C-T. GRCh37 (hg19) VCF-style: chr16-88780135-C-T.
Other names: c.954C>T, p.Tyr318= (NM_001012762.3); c.1167C>T, p.Tyr389= (NM_001318507.2); c.693C>T, p.Tyr231= (NM_001318513.2).
Identifiers: ClinVar variation 3898315 (VCV003898315.7).

ClinVar aggregate classification (germline): Likely benign (1 of 4 stars; one submission).

gnomAD v4.1: 195 of 1,612,724 alleles (0.012%); highest among the groups gnomAD compares: South Asian, 0.2%; 3 homozygotes.

Submission:

CeGaT Center for Human Genetics Tuebingen
Classification: Likely benign. Last evaluated: 2025-04-01. Review status: criteria provided, single submitter. Criteria: CeGaT Center For Human Genetics Tuebingen Variant Classification Criteria Version 2. Collection method: clinical testing. Allele origin: germline. Affected: yes. Observed: 1 variant allele.
Comment: CTU2: BP4, BP7